The following is an entry in ClinVar:

ClinVar aggregate classification (germline): Uncertain significance. Review status: criteria provided, multiple submitters, no conflicts (2 of 4 stars). 2 submissions from 2 submitters: Uncertain significance (2). Last evaluated 2025-12-08.

Conditions:
Joubert syndrome 7 (JBTS7). Identifiers: Orphanet 220497, MedGen C1969053, MONDO:0012694, OMIM 611560.
Meckel syndrome, type 5 (MKS5). Identifiers: Orphanet 564, MedGen C1969052, MONDO:0012695, OMIM 611561.
COACH syndrome 3. Identifiers: MedGen C5436841, MONDO:0030862, OMIM 619113.

gnomAD v4.1: 1 of 1,614,154 alleles (0.000062%); highest among the groups gnomAD compares: Non-Finnish European, 0.000085%; no homozygotes.

Submissions (2):

Dasa
Classification: Uncertain significance. Last evaluated: 2025-12-08. Review status: criteria provided, single submitter. Criteria: DASA Assertion Criteria. Collection method: clinical testing. Allele origin: germline.
Comment: NM_015272.5(RPGRIP1L):c.2386A>G (p.Ile796Val) is a missense variant that results in the substitution of isoleucine with valine. This variant is rare in population databases. Computational prediction algorithms are consistent with a benign effect. The currently available literature and clinical evidence are not sufficient to establish a definitive association between this variant and the reported condition. Therefore, this variant is classified as a variant of uncertain significance.

Fulgent Genetics
Classification: Uncertain significance for Joubert syndrome 7; Meckel syndrome, type 5; COACH syndrome 3. Last evaluated: 2024-02-14. Review status: criteria provided, single submitter. Criteria: ACMG Guidelines, 2015. Collection method: clinical testing. Allele origin: germline.

NM_015272.5(RPGRIP1L):c.2386A>G (p.Ile796Val)

Gene: RPGRIP1L (RPGRIP1 like; minus strand). Cytogenetic location: 16q12.2.
Variant type: single nucleotide variant.
Coding change: c.2386A>G on transcript NM_015272.5 (MANE Select); coding-DNA position 2386, A replaced by G.
Protein change: p.Ile796Val; replaces isoleucine 796 with valine.
Molecular consequence: missense variant.
Genome position (GRCh38, 1-based): chr16:53,645,922, T>C on the plus strand (A>G on the coding strand, the complement: RPGRIP1L is on the minus strand). VCF-style: chr16-53645922-T-C. GRCh37 (hg19) VCF-style: chr16-53679834-T-C.
Other names: c.2386A>G, p.Ile796Val (NM_001127897.4, NM_001308334.3, NM_001330538.2); short protein forms I796V.
Identifiers: ClinVar variation 3580836 (VCV003580836.3).